The following is an entry in ClinVar:

NM_014806.5(RUSC2):c.3816C>A (p.Tyr1272Ter)

Gene: RUSC2 (RUN and SH3 domain containing 2; plus strand). Cytogenetic location: 9p13.3.
Variant type: single nucleotide variant.
Coding change: c.3816C>A on transcript NM_014806.5 (MANE Select); coding-DNA position 3816, C replaced by A.
Protein change: p.Tyr1272Ter; replaces tyrosine 1272 with a stop codon.
Molecular consequence: nonsense. On other transcripts: non-coding transcript variant (1).
Genome position (GRCh38, 1-based): chr9:35,560,456, C>A. VCF-style: chr9-35560456-C-A. GRCh37 (hg19) VCF-style: chr9-35560453-C-A.
Other names: c.3816C>A, p.Tyr1272Ter (NM_001135999.2); c.1182C>A, p.Tyr394Ter (NM_001330740.2); short protein forms Y394*, Y1272*.
Identifiers: ClinVar variation 2023701 (VCV002023701.4), dbSNP rs2490416981, ClinGen allele CA373355028.

ClinVar aggregate classification (germline): Pathogenic (1 of 4 stars; one submission).

Submission:

Labcorp Genetics (formerly Invitae), Labcorp
Classification: Pathogenic. Last evaluated: 2022-08-12. Review status: criteria provided, single submitter. Criteria: Invitae Variant Classification Sherloc (09022015). Collection method: clinical testing. Allele origin: germline.
Comment: For these reasons, this variant has been classified as Pathogenic. This variant has not been reported in the literature in individuals affected with RUSC2-related conditions. This variant is not present in population databases (gnomAD no frequency). This sequence change creates a premature translational stop signal (p.Tyr1272*) in the RUSC2 gene. It is expected to result in an absent or disrupted protein product. Loss-of-function variants in RUSC2 are known to be pathogenic (PMID: 27612186).

Literature cited by the submitters: PubMed 27612186.